The following is an entry in ClinVar:

ClinVar aggregate classification (germline): Benign (1 of 4 stars; one submission).

Allele frequency attached by ClinVar (database versions not stated): gnomAD 0.60319 and 0.60381; TOPMed 0.61650; 1000 Genomes Project 0.68610; 1000 Genomes Project 30x 0.68988.
gnomAD v4.1: 91,732 of 152,058 alleles (60%); highest among the groups gnomAD compares: African/African-American, 83%; 29,477 homozygotes.

Submission:

GeneDx
Classification: Benign. Last evaluated: 2018-06-14. Review status: criteria provided, single submitter. Criteria: GeneDx Variant Classification (06012015). Collection method: clinical testing. Allele origin: germline. Affected: yes.
Comment: This variant is considered likely benign or benign based on one or more of the following criteria: it is a conservative change, it occurs at a poorly conserved position in the protein, it is predicted to be benign by multiple in silico algorithms, and/or has population frequency not consistent with disease.

NM_014317.5(PDSS1):c.1026+202G>A

Gene: PDSS1 (decaprenyl diphosphate synthase subunit 1; plus strand). Cytogenetic location: 10p12.1.
Variant type: single nucleotide variant.
Coding change: c.1026+202G>A on transcript NM_014317.5 (MANE Select); 202 bases into the intron after coding-DNA position 1026, G replaced by A.
Molecular consequence: intron variant.
Genome position (GRCh38, 1-based): chr10:26,735,781, G>A. VCF-style: chr10-26735781-G-A. GRCh37 (hg19) VCF-style: chr10-27024710-G-A.
Other names: c.516+202G>A (NM_001321979.2); c.836-6716G>A (NM_001321978.2).
Identifiers: ClinVar variation 683449 (VCV000683449.1), dbSNP rs10741116, ClinGen allele CA15638151.